The following is an entry in ClinVar:

ClinVar aggregate classification (germline): Uncertain significance (1 of 4 stars; one submission).

Conditions:
Mosaic variegated aneuploidy syndrome 2 (MVA2). Identifiers: Orphanet 1052, MedGen C3279843, MONDO:0013582, OMIM 614114.

Allele frequency attached by ClinVar (database versions not stated): gnomAD exomes below 0.00001; TOPMed below 0.00001; gnomAD 0.00001.
gnomAD v4.1: 5 of 1,613,454 alleles (0.00031%); highest among the groups gnomAD compares: Middle Eastern, 0.016%; no homozygotes.

Submission:

Labcorp Genetics (formerly Invitae), Labcorp
Classification: Uncertain significance for Mosaic variegated aneuploidy syndrome 2. Last evaluated: 2023-10-17. Review status: criteria provided, single submitter. Criteria: Invitae Variant Classification Sherloc (09022015). Collection method: clinical testing. Allele origin: germline.
Comment: This sequence change replaces glutamine, which is neutral and polar, with arginine, which is basic and polar, at codon 488 of the CEP57 protein (p.Gln488Arg). This variant is not present in population databases (gnomAD no frequency). This variant has not been reported in the literature in individuals affected with CEP57-related conditions. Advanced modeling of protein sequence and biophysical properties (such as structural, functional, and spatial information, amino acid conservation, physicochemical variation, residue mobility, and thermodynamic stability) performed at Invitae indicates that this missense variant is not expected to disrupt CEP57 protein function. In summary, the available evidence is currently insufficient to determine the role of this variant in disease. Therefore, it has been classified as a Variant of Uncertain Significance.

NM_014679.5(CEP57):c.1463A>G (p.Gln488Arg)

Gene: CEP57 (centrosomal protein 57; plus strand). Cytogenetic location: 11q21.
Variant type: single nucleotide variant.
Coding change: c.1463A>G on transcript NM_014679.5 (MANE Select); coding-DNA position 1463, A replaced by G.
Protein change: p.Gln488Arg; replaces glutamine 488 with arginine.
Molecular consequence: missense variant.
Genome position (GRCh38, 1-based): chr11:95,831,216, A>G. VCF-style: chr11-95831216-A-G. GRCh37 (hg19) VCF-style: chr11-95564380-A-G.
Other names: c.1436A>G, p.Gln479Arg (NM_001243776.2); c.1385A>G, p.Gln462Arg (NM_001243777.2); c.1382A>G, p.Gln461Arg (NM_001363604.2); short protein forms Q479R, Q461R, Q462R, Q488R.
Identifiers: ClinVar variation 2996691 (VCV002996691.3), dbSNP rs1464837266, ClinGen allele CA382410447.
Genomic context (GRCh38, chr11:95,831,216, plus strand): 5'-TGAGACCTGGAGAAAAAAGGAGAAAAAATCTTCAGTTATTGAAGGACATGCAAAGCATAC[A>G]GAATTCATTACAAAGCAGTAGTTTGTGTTGGGATTACTGACTCATAACCAGGTCAGAAAT-3'
Protein context (NP_055494.2, residues 478-498): LQLLKDMQSI[Gln488Arg]NSLQSSSLCW